The following is an entry in ClinVar:

NM_001001957.2(OR2W3):c.827T>C (p.Leu276Pro)

Gene: OR2W3 (olfactory receptor family 2 subfamily W member 3; plus strand). Cytogenetic location: 1q44.
Variant type: single nucleotide variant.
Coding change: c.827T>C on transcript NM_001001957.2 (MANE Select); coding-DNA position 827, T replaced by C.
Protein change: p.Leu276Pro; replaces leucine 276 with proline.
Molecular consequence: missense variant.
Genome position (GRCh38, 1-based): chr1:247,896,413, T>C. VCF-style: chr1-247896413-T-C. GRCh37 (hg19) VCF-style: chr1-248059715-T-C.
Other names: short protein forms L276P.
Identifiers: ClinVar variation 1953184 (VCV001953184.5), dbSNP rs1659612335, ClinGen allele CA345596535.

ClinVar aggregate classification (germline): Uncertain significance (1 of 4 stars; one submission).

Allele frequency attached by ClinVar (database versions not stated): TOPMed below 0.00001.

Submission:

Labcorp Genetics (formerly Invitae), Labcorp
Classification: Uncertain significance. Last evaluated: 2022-03-11. Review status: criteria provided, single submitter. Criteria: Invitae Variant Classification Sherloc (09022015). Collection method: clinical testing. Allele origin: germline.
Comment: In summary, the available evidence is currently insufficient to determine the role of this variant in disease. Therefore, it has been classified as a Variant of Uncertain Significance. Algorithms developed to predict the effect of missense changes on protein structure and function (SIFT, PolyPhen-2, Align-GVGD) all suggest that this variant is likely to be disruptive. This variant has not been reported in the literature in individuals affected with OR2W3-related conditions. This variant is not present in population databases (gnomAD no frequency). This sequence change replaces leucine, which is neutral and non-polar, with proline, which is neutral and non-polar, at codon 276 of the OR2W3 protein (p.Leu276Pro).